The following is an entry in ClinVar:

NM_006231.4(POLE):c.5566T>C (p.Phe1856Leu)

Gene: POLE (DNA polymerase epsilon, catalytic subunit; minus strand). Cytogenetic location: 12q24.33.
Variant type: single nucleotide variant.
Coding change: c.5566T>C on transcript NM_006231.4 (MANE Select); coding-DNA position 5566, T replaced by C.
Protein change: p.Phe1856Leu; replaces phenylalanine 1856 with leucine.
Molecular consequence: missense variant.
Genome position (GRCh38, 1-based): chr12:132,638,126, A>G on the plus strand (T>C on the coding strand, the complement: POLE is on the minus strand). VCF-style: chr12-132638126-A-G. GRCh37 (hg19) VCF-style: chr12-133214712-A-G.
Other names: short protein forms F1856L.
Identifiers: ClinVar variation 405785 (VCV000405785.17), dbSNP rs1060500846, ClinGen allele CA16613793.
Genomic context (GRCh38, chr12:132,638,126, plus strand): 5'-TTGTACAGAGGATGATGCGGTTGAAGTTGGCGTAGATGACTGATGACCCCAGGCGCTTGA[A>G]CTCAGCGATGAGCCTGTGGAGCAAGTTGAGAGTCCGTGGTGGAGACGCCACAGTCATGGA-3'
Protein context (NP_006222.2, residues 1846-1866): KKLFLQLIAE[Phe1856Leu]KRLGSSVIYA

ClinVar aggregate classification (germline): Uncertain significance. Review status: criteria provided, multiple submitters, no conflicts (2 of 4 stars). 3 submissions from 3 submitters: Uncertain significance (3). Last evaluated 2025-09-28.

Conditions:
Hereditary cancer-predisposing syndrome. Also called: Hereditary Cancer Syndrome; Hereditary neoplastic syndrome; Neoplastic Syndromes, Hereditary; Tumor predisposition. Identifiers: Orphanet 140162, MedGen C0027672, MeSH D009386, MONDO:0015356.

Allele frequency attached by ClinVar (database versions not stated): TOPMed 0.00001; gnomAD 0.00002.
gnomAD v4.1: 4 of 1,613,344 alleles (0.00025%); highest among the groups gnomAD compares: African/African-American, 0.0054%; no homozygotes.

Submissions (3):

Labcorp Genetics (formerly Invitae), Labcorp
Classification: Uncertain significance. Last evaluated: 2025-09-28. Review status: criteria provided, single submitter. Criteria: Invitae Variant Classification Sherloc (09022015). Collection method: clinical testing. Allele origin: germline.
Comment: This sequence change replaces phenylalanine, which is neutral and non-polar, with leucine, which is neutral and non-polar, at codon 1856 of the POLE protein (p.Phe1856Leu). This variant is present in population databases (no rsID available, gnomAD 0.02%). This variant has not been reported in the literature in individuals affected with POLE-related conditions. ClinVar contains an entry for this variant (Variation ID: 405785). Invitae Evidence Modeling of protein sequence and biophysical properties (such as structural, functional, and spatial information, amino acid conservation, physicochemical variation, residue mobility, and thermodynamic stability) indicates that this missense variant is not expected to disrupt POLE protein function with a negative predictive value of 80%. In summary, the available evidence is currently insufficient to determine the role of this variant in disease. Therefore, it has been classified as a Variant of Uncertain Significance.

Ambry Genetics
Classification: Uncertain significance for Hereditary cancer-predisposing syndrome. Last evaluated: 2025-02-21. Review status: criteria provided, single submitter. Criteria: Ambry Variant Classification Scheme 2023. Collection method: clinical testing. Allele origin: germline.
Comment: The p.F1856L variant (also known as c.5566T>C), located in coding exon 41 of the POLE gene, results from a T to C substitution at nucleotide position 5566. The phenylalanine at codon 1856 is replaced by leucine, an amino acid with highly similar properties. This amino acid position is highly conserved in available vertebrate species. In addition, the in silico prediction for this alteration is inconclusive. Based on the available evidence, the clinical significance of this variant remains unclear.

GeneDx
Classification: Uncertain significance. Last evaluated: 2021-06-01. Review status: criteria provided, single submitter. Criteria: GeneDx Variant Classification Process June 2021. Collection method: clinical testing. Allele origin: germline. Affected: yes.
Comment: In silico analysis supports that this missense variant has a deleterious effect on protein structure/function; Has not been previously published as pathogenic or benign to our knowledge